The following is an entry in ClinVar:

ClinVar aggregate classification (germline): Pathogenic (1 of 4 stars; one submission).

Conditions:
Hereditary breast ovarian cancer syndrome. Also called: Hereditary breast and ovarian cancer syndrome (HBOC); Hereditary breast and ovarian cancer syndrome; Breast and ovarian cancer; Hereditary breast and/or ovarian cancer syndrome; Hereditary breast and ovarian cancer; BRCA1- and BRCA2-Associated Hereditary Breast and Ovarian Cancer. Identifiers: Orphanet 145, MedGen C0677776, MeSH D061325, MONDO:0003582. Disease mechanism: loss of function.

Submission:

Labcorp Genetics (formerly Invitae), Labcorp
Classification: Pathogenic for Hereditary breast ovarian cancer syndrome. Last evaluated: 2017-03-03. Review status: criteria provided, single submitter. Criteria: Invitae Variant Classification Sherloc (09022015). Collection method: clinical testing. Allele origin: germline.
Comment: This variant is a gross deletion of the genomic region encompassing most of exon 19 of the BRCA1 gene, including the exon 19-intron 19 boundary, and ~3,200 nucleotides of intron 19 (c.5213_5278-2753del). This may create a premature translational stop signal that would be expected to result in an absent or disrupted protein product. While this particular variant has not been reported in the literature, loss-of-function variants in BRCA1 are known to be pathogenic (PMID: 20104584). Similar partial deletions of exon 19, also known as exon 20 in the literature, have been reported in families affected with breast and ovarian cancer (PMID: 20840220, 15353005). In one family, the variant segregated with breast cancer in 5 affected individuals. Experimental RT-PCR analysis showed the absence of this entire exon in the mRNA of an affected carrier (PMID: 15353005). The complete in-frame loss of exon 19 (His1732-Lys1759) is expected to remove the linker region between the two BRCT domains, which are known to be important for BRCA1 protein structure and function (PMID: 20516115). For these reasons, this variant has been classified as Pathogenic.

Literature cited by the submitters: PubMed 20104584; PubMed 20840220; PubMed 15353005; PubMed 20516115.

NC_000017.11:g.(?_43057046)_(43057141_?)del

Gene: BRCA1 (BRCA1 DNA repair associated; minus strand). Cytogenetic location: 17q21.31.
Variant type: Deletion.
Identifiers: ClinVar variation 462183 (VCV000462183.3).